The following is an entry in ClinVar:

NM_000264.5(PTCH1):c.1109A>G (p.Lys370Arg)

Gene: PTCH1 (patched 1; minus strand). Cytogenetic location: 9q22.32.
Variant type: single nucleotide variant.
Coding change: c.1109A>G on transcript NM_000264.5 (MANE Select); coding-DNA position 1109, A replaced by G.
Protein change: p.Lys370Arg; replaces lysine 370 with arginine.
Molecular consequence: missense variant. On other transcripts: non-coding transcript variant (1).
Genome position (GRCh38, 1-based): chr9:95,479,106, T>C on the plus strand (A>G on the coding strand, the complement: PTCH1 is on the minus strand). VCF-style: chr9-95479106-T-C. GRCh37 (hg19) VCF-style: chr9-98241388-T-C.
Other names: c.911A>G, p.Lys304Arg (NM_001083602.3); c.1106A>G, p.Lys369Arg (NM_001083603.3); c.656A>G, p.Lys219Arg (NM_001083604.3, NM_001083605.3, NM_001083606.3 and 1 more transcripts); c.1109A>G, p.Lys370Arg (NM_001354918.2); short protein forms K219R, K369R, K304R, K370R.
Identifiers: ClinVar variation 958443 (VCV000958443.13), dbSNP rs768024586, ClinGen allele CA5138758.

ClinVar aggregate classification (germline): Uncertain significance. Review status: criteria provided, multiple submitters, no conflicts (2 of 4 stars). 2 submissions from 2 submitters: Uncertain significance (2). Last evaluated 2024-08-15.

Conditions:
Hereditary cancer-predisposing syndrome. Also called: Hereditary neoplastic syndrome; Tumor predisposition; Neoplastic Syndromes, Hereditary; Hereditary Cancer Syndrome. Identifiers: Orphanet 140162, MedGen C0027672, MeSH D009386, MONDO:0015356.
Gorlin syndrome. Also called: Basal cell nevus syndrome; Nevoid Basal Cell Carcinoma Syndrome. Identifiers: Orphanet 377, MedGen C0004779, MONDO:0007187.

Allele frequency attached by ClinVar (database versions not stated): gnomAD exomes 0.00001 and below 0.00001; ExAC 0.00001.

Submissions (2):

Ambry Genetics
Classification: Uncertain significance for Hereditary cancer-predisposing syndrome. Last evaluated: 2024-08-15. Review status: criteria provided, single submitter. Criteria: Ambry Variant Classification Scheme 2023. Collection method: clinical testing. Allele origin: germline.
Comment: The p.K370R variant (also known as c.1109A>G), located in coding exon 8 of the PTCH1 gene, results from an A to G substitution at nucleotide position 1109. The lysine at codon 370 is replaced by arginine, an amino acid with highly similar properties. This amino acid position is highly conserved in available vertebrate species. In addition, this alteration is predicted to be tolerated by in silico analysis. Based on the available evidence, the clinical significance of this variant remains unclear.

Labcorp Genetics (formerly Invitae), Labcorp
Classification: Uncertain significance for Gorlin syndrome. Last evaluated: 2019-09-13. Review status: criteria provided, single submitter. Criteria: Invitae Variant Classification Sherloc (09022015). Collection method: clinical testing. Allele origin: germline.
Comment: In summary, the available evidence is currently insufficient to determine the role of this variant in disease. Therefore, it has been classified as a Variant of Uncertain Significance. Algorithms developed to predict the effect of sequence changes on RNA splicing suggest that this variant may create or strengthen a splice site, but this prediction has not been confirmed by published transcriptional studies. Algorithms developed to predict the effect of missense changes on protein structure and function (SIFT, PolyPhen-2, Align-GVGD) all suggest that this variant is likely to be tolerated, but these predictions have not been confirmed by published functional studies and their clinical significance is uncertain. This variant has not been reported in the literature in individuals with PTCH1-related conditions. This variant is present in population databases (rs768024586, ExAC 0.006%). This sequence change replaces lysine with arginine at codon 370 of the PTCH1 protein (p.Lys370Arg). The lysine residue is moderately conserved and there is a small physicochemical difference between lysine and arginine.